The following is an entry in ClinVar:

ClinVar aggregate classification (germline): Uncertain significance. Review status: criteria provided, multiple submitters, no conflicts (2 of 4 stars). 2 submissions from 2 submitters: Uncertain significance (2). Last evaluated 2020-01-06.

Allele frequency attached by ClinVar (database versions not stated): gnomAD exomes below 0.00001; TOPMed 0.00001.
gnomAD v4.1: 1 of 1,610,758 alleles (0.000062%); highest among the groups gnomAD compares: African/African-American, 0.0013%; no homozygotes.

Submissions (2):

GeneDx
Classification: Uncertain significance. Last evaluated: 2020-01-06. Review status: criteria provided, single submitter. Criteria: GeneDx Variant Classification Process June 2021. Collection method: clinical testing. Allele origin: germline. Affected: yes.
Comment: Has not been previously published as pathogenic or benign to our knowledge; Not observed at a significant frequency in large population cohorts (Lek et al., 2016); Located in the A-band of the titin protein, where the majority of pathogenic truncating variants have been reported; Missense variant in a gene in which most reported pathogenic variants are truncating/loss-of-function

Eurofins Ntd Llc (ga)
Classification: Uncertain significance. Last evaluated: 2018-01-04. Review status: criteria provided, single submitter. Criteria: EGL Classification Definitions 2015. Collection method: clinical testing. Allele origin: germline. Observed: 2 variant alleles, 2 heterozygotes.

NM_001267550.2(TTN):c.90427G>C (p.Val30143Leu)

Genes: TTN (titin; minus strand), TTN-AS1 (TTN antisense RNA 1; plus strand). Cytogenetic location: 2q31.2.
Variant type: single nucleotide variant.
Coding change: c.90427G>C on transcript NM_001267550.2 (MANE Select); coding-DNA position 90427, G replaced by C.
Protein change: p.Val30143Leu; replaces valine 30143 with leucine.
Molecular consequence: missense variant.
Genome position (GRCh38, 1-based): chr2:178,552,473, C>G on the plus strand (G>C on the coding strand, the complement: TTN is on the minus strand). VCF-style: chr2-178552473-C-G. GRCh37 (hg19) VCF-style: chr2-179417200-C-G.
Other names: c.85504G>C, p.Val28502Leu (NM_001256850.1); c.63232G>C, p.Val21078Leu (NM_003319.4); c.82723G>C, p.Val27575Leu (NM_133378.4); c.63607G>C, p.Val21203Leu (NM_133432.3); c.63808G>C, p.Val21270Leu (NM_133437.4); short protein forms V30143L, V27575L, V21203L, V21078L, V21270L, V28502L.
Identifiers: ClinVar variation 592754 (VCV000592754.7), dbSNP rs1287481084, ClinGen allele CA349510873.